The following is an entry in ClinVar:

NM_000444.6(PHEX):c.499T>C (p.Trp167Arg)

Gene: PHEX (phosphate regulating endopeptidase X-linked; plus strand). Cytogenetic location: Xp22.11.
Variant type: single nucleotide variant.
Coding change: c.499T>C on transcript NM_000444.6 (MANE Select); coding-DNA position 499, T replaced by C.
Protein change: p.Trp167Arg; replaces tryptophan 167 with arginine.
Molecular consequence: missense variant.
Genome position (GRCh38, 1-based): chrX:22,077,538, T>C. VCF-style: chrX-22077538-T-C. GRCh37 (hg19) VCF-style: chrX-22095656-T-C.
Other names: c.499T>C, p.Trp167Arg (NM_001282754.2); short protein forms W167R.
Identifiers: ClinVar variation 423451 (VCV000423451.13), dbSNP rs1064796435, ClinGen allele CA16621310.
Genomic context (GRCh38, chrX:22,077,538, plus strand): 5'-GCGATTGAAAAAGCAGATGCCAAGCCACTGCTACACATCCTACGGCATTCACCTTTCCGC[T>C]GGCCCGTGCTTGAATCTAATATTGGCCCTGAAGGGGTTTGGTCAGAGAGAAAGTTCAGCC-3'
Protein context (NP_000435.3, residues 157-177): LHILRHSPFR[Trp167Arg]PVLESNIGPE

ClinVar aggregate classification (germline): Conflicting classifications of pathogenicity. Review status: criteria provided, conflicting classifications (1 of 4 stars). 2 submissions from 2 submitters: Pathogenic (1); Uncertain significance (1). Last evaluated 2025-09-02.

Submissions (2):

Labcorp Genetics (formerly Invitae), Labcorp
Classification: Pathogenic. Last evaluated: 2025-09-02. Review status: criteria provided, single submitter. Criteria: Invitae Variant Classification Sherloc (09022015). Collection method: clinical testing. Allele origin: germline.
Comment: This sequence change replaces tryptophan, which is neutral and slightly polar, with arginine, which is basic and polar, at codon 167 of the PHEX protein (p.Trp167Arg). This variant is not present in population databases (gnomAD no frequency). This missense change has been observed in individual(s) with hypophosphatemia (PMID: 33639975; internal data). It has also been observed to segregate with disease in related individuals. ClinVar contains an entry for this variant (Variation ID: 423451). Invitae Evidence Modeling of protein sequence and biophysical properties (such as structural, functional, and spatial information, amino acid conservation, physicochemical variation, residue mobility, and thermodynamic stability) indicates that this missense variant is expected to disrupt PHEX protein function with a positive predictive value of 80%. For these reasons, this variant has been classified as Pathogenic.

GeneDx
Classification: Uncertain significance. Last evaluated: 2017-02-07. Review status: criteria provided, single submitter. Criteria: GeneDx Variant Classification (06012015). Collection method: clinical testing. Allele origin: germline. Affected: yes.
Comment: The W167R variant has not been published as a pathogenic variant, nor has it been reported as a benign variant to our knowledge. The variant is not observed in large population cohorts (Lek et al., 2016; 1000 Genomes Consortium et al., 2015; Exome Variant Server). W167R is a non-conservative amino acid substitution, which is likely to impact secondary protein structure as these residues differ in polarity, charge, size and/or other properties. This substitution occurs at a position that is conserved across species, and in silico analysis predicts this variant is probably damaging to the protein structure/function. In summary, based on the currently available information, it is unclear whether this variant is a pathogenic variant or a rare benign variant.

Literature cited by the submitters: PubMed 33639975 (cited by Labcorp Genetics (formerly Invitae), Labcorp).